The following is an entry in ClinVar:

NM_001375524.1(TRRAP):c.5345A>G (p.His1782Arg)

Gene: TRRAP (transformation/transcription domain associated protein; plus strand). Cytogenetic location: 7q22.1.
Variant type: single nucleotide variant.
Coding change: c.5345A>G on transcript NM_001375524.1 (MANE Select); coding-DNA position 5345, A replaced by G.
Protein change: p.His1782Arg; replaces histidine 1782 with arginine.
Molecular consequence: missense variant.
Genome position (GRCh38, 1-based): chr7:98,950,886, A>G. VCF-style: chr7-98950886-A-G. GRCh37 (hg19) VCF-style: chr7-98548509-A-G.
Other names: c.5324A>G, p.His1775Arg (NM_001244580.2); c.5270A>G, p.His1757Arg (NM_003496.4); c.5324A>G (NM_001244580.1); short protein forms H1757R, H1782R, H1775R.
Identifiers: ClinVar variation 2991043 (VCV002991043.4), dbSNP rs1247503658, ClinGen allele CA368318134.

ClinVar aggregate classification (germline): Uncertain significance. Review status: criteria provided, multiple submitters, no conflicts (2 of 4 stars). 2 submissions from 2 submitters: Uncertain significance (2). Last evaluated 2024-01-21.

Conditions:
Inborn genetic diseases. Identifiers: MedGen C0950123, MeSH D030342.

Allele frequency attached by ClinVar (database versions not stated): gnomAD 0.00001; TOPMed 0.00001.
gnomAD v4.1: 11 of 1,564,230 alleles (0.0007%); highest among the groups gnomAD compares: African/African-American, 0.0014%; no homozygotes.

Submissions (2):

Labcorp Genetics (formerly Invitae), Labcorp
Classification: Uncertain significance. Last evaluated: 2024-01-21. Review status: criteria provided, single submitter. Criteria: Invitae Variant Classification Sherloc (09022015). Collection method: clinical testing. Allele origin: germline.
Comment: This sequence change replaces histidine, which is basic and polar, with arginine, which is basic and polar, at codon 1757 of the TRRAP protein (p.His1757Arg). This variant is present in population databases (no rsID available, gnomAD 0.002%). This variant has not been reported in the literature in individuals affected with TRRAP-related conditions. Advanced modeling of protein sequence and biophysical properties (such as structural, functional, and spatial information, amino acid conservation, physicochemical variation, residue mobility, and thermodynamic stability) performed at Invitae indicates that this missense variant is not expected to disrupt TRRAP protein function with a negative predictive value of 80%. In summary, the available evidence is currently insufficient to determine the role of this variant in disease. Therefore, it has been classified as a Variant of Uncertain Significance.

Ambry Genetics
Classification: Uncertain significance for Inborn genetic diseases. Last evaluated: 2024-01-16. Review status: criteria provided, single submitter. Criteria: Ambry Variant Classification Scheme 2023. Collection method: clinical testing. Allele origin: germline.